The following is an entry in ClinVar:

NM_182914.3(SYNE2):c.438C>G (p.Cys146Trp)

Gene: SYNE2 (spectrin repeat containing nuclear envelope protein 2; plus strand). Cytogenetic location: 14q23.2.
Variant type: single nucleotide variant.
Coding change: c.438C>G on transcript NM_182914.3 (MANE Select); coding-DNA position 438, C replaced by G.
Protein change: p.Cys146Trp; replaces cysteine 146 with tryptophan.
Molecular consequence: missense variant.
Genome position (GRCh38, 1-based): chr14:63,949,854, C>G. VCF-style: chr14-63949854-C-G. GRCh37 (hg19) VCF-style: chr14-64416572-C-G.
Other names: c.438C>G (NM_182914.2); c.438C>G, p.Cys146Trp (NM_015180.6); short protein forms C146W.
Identifiers: ClinVar variation 1061901 (VCV001061901.10), dbSNP rs765943821, ClinGen allele CA7219114.

ClinVar aggregate classification (germline): Uncertain significance. Review status: criteria provided, multiple submitters, no conflicts (2 of 4 stars). 2 submissions from 2 submitters: Uncertain significance (2). Last evaluated 2024-01-08.

Conditions:
Emery-Dreifuss muscular dystrophy 5, autosomal dominant (EDMD5). Also called: EMERY-DREIFUSS MUSCULAR DYSTROPHY 5. Identifiers: Orphanet 261, MedGen C2751805, MONDO:0013072, OMIM 612999.

Allele frequency attached by ClinVar (database versions not stated): ExAC 0.00001; TOPMed 0.00002.
gnomAD v4.1: 6 of 1,614,154 alleles (0.00037%); highest among the groups gnomAD compares: Non-Finnish European, 0.00051%; no homozygotes.

Submissions (2):

Ambry Genetics
Classification: Uncertain significance. Last evaluated: 2024-01-08. Review status: criteria provided, single submitter. Criteria: Ambry Variant Classification Scheme 2023. Collection method: clinical testing. Allele origin: germline.

Labcorp Genetics (formerly Invitae), Labcorp
Classification: Uncertain significance for Emery-Dreifuss muscular dystrophy 5, autosomal dominant. Last evaluated: 2023-11-03. Review status: criteria provided, single submitter. Criteria: Invitae Variant Classification Sherloc (09022015). Collection method: clinical testing. Allele origin: germline.
Comment: This sequence change replaces cysteine, which is neutral and slightly polar, with tryptophan, which is neutral and slightly polar, at codon 146 of the SYNE2 protein (p.Cys146Trp). This variant is present in population databases (rs765943821, gnomAD 0.002%). This variant has not been reported in the literature in individuals affected with SYNE2-related conditions. ClinVar contains an entry for this variant (Variation ID: 1061901). An algorithm developed to predict the effect of missense changes on protein structure and function (PolyPhen-2) suggests that this variant is likely to be disruptive. In summary, the available evidence is currently insufficient to determine the role of this variant in disease. Therefore, it has been classified as a Variant of Uncertain Significance.